The following is an entry in ClinVar:

ClinVar aggregate classification (germline): Uncertain significance (1 of 4 stars; one submission).

Conditions:
Epilepsy, familial adult myoclonic, 5 (EPEO5). Also called: CORTICAL MYOCLONIC TREMOR WITH EPILEPSY, FAMILIAL, 5. Identifiers: Orphanet 86814, MedGen C3809374, MONDO:0014167, OMIM 615400.

Submission:

Labcorp Genetics (formerly Invitae), Labcorp
Classification: Uncertain significance for Epilepsy, familial adult myoclonic, 5. Last evaluated: 2024-12-19. Review status: criteria provided, single submitter. Criteria: Invitae Variant Classification Sherloc (09022015). Collection method: clinical testing. Allele origin: germline.
Comment: This sequence change replaces glycine, which is neutral and non-polar, with glutamic acid, which is acidic and polar, at codon 558 of the CNTN2 protein (p.Gly558Glu). This variant is not present in population databases (gnomAD no frequency). This variant has not been reported in the literature in individuals affected with CNTN2-related conditions. Invitae Evidence Modeling of protein sequence and biophysical properties (such as structural, functional, and spatial information, amino acid conservation, physicochemical variation, residue mobility, and thermodynamic stability) indicates that this missense variant is not expected to disrupt CNTN2 protein function with a negative predictive value of 95%. In summary, the available evidence is currently insufficient to determine the role of this variant in disease. Therefore, it has been classified as a Variant of Uncertain Significance.

NM_005076.5(CNTN2):c.1673G>A (p.Gly558Glu)

Gene: CNTN2 (contactin 2; plus strand). Cytogenetic location: 1q32.1.
Variant type: single nucleotide variant.
Coding change: c.1673G>A on transcript NM_005076.5 (MANE Select); coding-DNA position 1673, G replaced by A.
Protein change: p.Gly558Glu; replaces glycine 558 with glutamic acid.
Molecular consequence: missense variant. On other transcripts: non-coding transcript variant (1).
Genome position (GRCh38, 1-based): chr1:205,065,240, G>A. VCF-style: chr1-205065240-G-A. GRCh37 (hg19) VCF-style: chr1-205034368-G-A.
Other names: c.1673G>A, p.Gly558Glu (NM_001346083.2); short protein forms G558E.
Identifiers: ClinVar variation 3611030 (VCV003611030.2).
Genomic context (GRCh38, chr1:205,065,240, plus strand): 5'-TGGACCTCACCTTCACCTGGACCCTGGACGACTTCCCCATCGACTTTGATAAGCCTGGAG[G>A]GCACTACCGGAGAACTAATGTGGTGAGACCTAGGGCCAGAGCCCCATGGCTTCTCCCTCC-3'
Protein context (NP_005067.1, residues 548-568): DFPIDFDKPG[Gly558Glu]HYRRTNVKET